The following is an entry in ClinVar:

NM_139276.3(STAT3):c.1673G>C (p.Gly558Ala)

Gene: STAT3 (signal transducer and activator of transcription 3; minus strand). Cytogenetic location: 17q21.2.
Variant type: single nucleotide variant.
Coding change: c.1673G>C on transcript NM_139276.3 (MANE Select); coding-DNA position 1673, G replaced by C.
Protein change: p.Gly558Ala; replaces glycine 558 with alanine.
Molecular consequence: missense variant.
Genome position (GRCh38, 1-based): chr17:42,323,335, C>G on the plus strand (G>C on the coding strand, the complement: STAT3 is on the minus strand). VCF-style: chr17-42323335-C-G. GRCh37 (hg19) VCF-style: chr17-40475353-C-G.
Other names: c.1673G>C, p.Gly558Ala (NM_001369512.1, NM_001369513.1, NM_001369514.1 and 10 more transcripts); c.1589G>C, p.Gly530Ala (NM_001384984.1); c.1595G>C, p.Gly532Ala (NM_001384985.1); c.1688G>C, p.Gly563Ala (NM_001384986.1, NM_001384990.1); c.1652G>C, p.Gly551Ala (NM_001384987.1); c.1577G>C, p.Gly526Ala (NM_001384989.1); c.1613G>C, p.Gly538Ala (NM_001384992.1); short protein forms G526A, G530A, G532A, G538A, G551A, G558A, G563A.
Identifiers: ClinVar variation 3602283 (VCV003602283.1).

ClinVar aggregate classification (germline): Uncertain significance (1 of 4 stars; one submission).

Submission:

GeneDx
Classification: Uncertain significance. Last evaluated: 2024-07-23. Review status: criteria provided, single submitter. Criteria: GeneDx Variant Classification Process June 2021. Collection method: clinical testing. Allele origin: germline. Affected: yes.
Comment: Not observed at significant frequency in large population cohorts (gnomAD); In silico analysis indicates that this missense variant does not alter protein structure/function; Has not been previously published as pathogenic or benign to our knowledge; This variant is associated with the following publications: (PMID: 17676033)